The following is an entry in ClinVar:

ClinVar aggregate classification (germline): Uncertain significance (1 of 4 stars; one submission).

Conditions:
FOXP4-related disorder. Also called: FOXP4-related condition.

Submission:

PreventionGenetics, part of Exact Sciences
Classification: Uncertain significance for FOXP4-related condition. Last evaluated: 2023-06-19. Review status: criteria provided, single submitter. Criteria: ACMG Guidelines, 2015. Collection method: clinical testing. Allele origin: germline.
Comment: The FOXP4 c.193C>T variant is predicted to result in premature protein termination (p.Gln65*). To our knowledge, this variant has not been reported in the literature or in a large population database, indicating this variant is rare. Although we suspect that this variant may be pathogenic, at this time, the clinical significance of this variant is uncertain due to the absence of conclusive functional and genetic evidence.

NM_001012426.2(FOXP4):c.193C>T (p.Gln65Ter)

Gene: FOXP4 (forkhead box P4; plus strand). Cytogenetic location: 6p21.1.
Variant type: single nucleotide variant.
Coding change: c.193C>T on transcript NM_001012426.2 (MANE Select); coding-DNA position 193, C replaced by T.
Protein change: p.Gln65Ter; replaces glutamine 65 with a stop codon.
Molecular consequence: nonsense.
Genome position (GRCh38, 1-based): chr6:41,565,953, C>T. VCF-style: chr6-41565953-C-T. GRCh37 (hg19) VCF-style: chr6-41533691-C-T.
Other names: c.193C>T, p.Gln65Ter (NM_001012427.2, NM_001405824.1, NM_001405825.1 and 2 more transcripts); short protein forms Q65*.
Identifiers: ClinVar variation 2632955 (VCV002632955.1), dbSNP rs1764856579, ClinGen allele CA364355560.